The following is an entry in ClinVar:

NM_020719.3(PRR12):c.3647dup (p.Thr1217fs)

Gene: PRR12 (proline rich 12; plus strand). Cytogenetic location: 19q13.33.
Variant type: Duplication.
Coding change: c.3647dup on transcript NM_020719.3 (MANE Select); coding-DNA position 3647, one base duplicated (G; older notation c.3647dupG).
Protein change: p.Thr1217fs; shifts the reading frame from threonine 1217.
Molecular consequence: frameshift variant.
Genome position (GRCh38, 1-based): chr19:49,597,982, G duplicated; the last of 5 consecutive G bases (chr19:49,597,978-49,597,982); duplicating any one gives the same sequence. VCF-style (leftmost placement, unchanged base first): chr19-49597977-A-AG. GRCh37 (hg19) VCF-style: chr19-50101234-A-AG.
Other names: short protein forms T1217fs.
Identifiers: ClinVar variation 1311039 (VCV001311039.2), dbSNP rs2122304134, ClinGen allele CA2573054809.

ClinVar aggregate classification (germline): Pathogenic (1 of 4 stars; one submission).

Submission:

GeneDx
Classification: Pathogenic. Last evaluated: 2022-12-12. Review status: criteria provided, single submitter. Criteria: GeneDx Variant Classification Process June 2021. Collection method: clinical testing. Allele origin: germline. Affected: yes.
Comment: Frameshift variant predicted to result in protein truncation or nonsense mediated decay in a gene for which loss of function is a known mechanism of disease; Not observed in large population cohorts (gnomAD); Has not been previously published as pathogenic or benign to our knowledge